The following is an entry in ClinVar:

NM_000179.3(MSH6):c.878_883delinsTTCG (p.Pro293fs)

Gene: MSH6 (mutS homolog 6; plus strand). Cytogenetic location: 2p16.3.
Variant type: Indel.
Coding change: c.878_883delinsTTCG on transcript NM_000179.3 (MANE Select); coding-DNA positions 878 to 883, CTGTCA replaced by TTCG.
Protein change: p.Pro293fs; shifts the reading frame from proline 293.
Molecular consequence: frameshift variant. On other transcripts: 5 prime UTR variant (2).
Genome position (GRCh38, 1-based): chr2:47,798,861-47,798,866, CTGTCA replaced by TTCG. VCF-style: chr2-47798861-CTGTCA-TTCG. GRCh37 (hg19) VCF-style: chr2-48026000-CTGTCA-TTCG.
Other names: c.488_493delinsTTCG, p.Pro163fs (NM_001281492.2); c.-29_-24delinsTTCG (NM_001281493.2, NM_001281494.2); c.878_883delCTGTCAinsTTCG (NM_000179.2); short protein forms P163fs, P293fs.
Identifiers: ClinVar variation 428369 (VCV000428369.14), dbSNP rs1114167748, ClinGen allele CA645369247.

ClinVar aggregate classification (germline): Pathogenic/Likely pathogenic. Review status: criteria provided, multiple submitters, no conflicts (2 of 4 stars). 6 submissions from 6 submitters: Pathogenic (5); Likely pathogenic (1). Last evaluated 2025-09-16.

Conditions:
Lynch syndrome 5 (LYNCH5). Also called: Hereditary non-polyposis colorectal cancer, type 5; Colorectal cancer, hereditary nonpolyposis, type 5. Identifiers: Orphanet 144, MedGen C1833477, MONDO:0013710, OMIM 614350. Disease mechanism: loss of function.
Hereditary nonpolyposis colorectal neoplasms. Identifiers: MedGen C0009405, MeSH D003123.
Hereditary cancer-predisposing syndrome. Also called: Hereditary Cancer Syndrome; Neoplastic Syndromes, Hereditary; Hereditary neoplastic syndrome; Tumor predisposition. Identifiers: Orphanet 140162, MedGen C0027672, MeSH D009386, MONDO:0015356.
Endometrial carcinoma. Also called: Endometrial carcinoma, somatic. Identifiers: MedGen C0476089, MONDO:0002447, OMIM 608089, HP:0012114.

Submissions (6):

Ambry Genetics
Classification: Pathogenic for Hereditary cancer-predisposing syndrome. Last evaluated: 2025-09-16. Review status: criteria provided, single submitter. Criteria: Ambry Variant Classification Scheme 2023. Collection method: clinical testing. Allele origin: germline.
Comment: The c.878_883delCTGTCAinsTTCG pathogenic mutation, located in coding exon 4 of the MSH6 gene, results from the deletion of 6 nucleotides and insertion of 4 nucleotides causing a translational frameshift with a predicted alternate stop codon (p.P293Lfs*18). This variant is considered to be rare based on population cohorts in the Genome Aggregation Database (gnomAD). This alteration is expected to result in loss of function by premature protein truncation or nonsense-mediated mRNA decay. As such, this alteration is interpreted as a disease-causing mutation.

GeneDx
Classification: Pathogenic. Last evaluated: 2024-04-24. Review status: criteria provided, single submitter. Criteria: GeneDx Variant Classification Process June 2021. Collection method: clinical testing. Allele origin: germline. Affected: yes.
Comment: Observed in an individual with an embryonal rhabdomyosarcoma in the published literature (PMID: 34308366); Frameshift variant predicted to result in protein truncation or nonsense mediated decay in a gene for which loss of function is a known mechanism of disease; Truncating variants in this gene are considered pathogenic by a well-established clinical consortium and/or database; Not observed at significant frequency in large population cohorts (gnomAD); This variant is associated with the following publications: (PMID: 28873162, 34308366)

Labcorp Genetics (formerly Invitae), Labcorp
Classification: Pathogenic for Hereditary nonpolyposis colorectal neoplasms. Last evaluated: 2023-12-11. Review status: criteria provided, single submitter. Criteria: Invitae Variant Classification Sherloc (09022015). Collection method: clinical testing. Allele origin: germline.
Comment: This sequence change creates a premature translational stop signal (p.Pro293Leufs*18) in the MSH6 gene. It is expected to result in an absent or disrupted protein product. Loss-of-function variants in MSH6 are known to be pathogenic (PMID: 18269114, 24362816). This variant is not present in population databases (gnomAD no frequency). This variant has not been reported in the literature in individuals affected with MSH6-related conditions. For these reasons, this variant has been classified as Pathogenic.

Myriad Genetics, Inc.
Classification: Pathogenic for Lynch syndrome 5. Last evaluated: 2023-08-11. Review status: criteria provided, single submitter. Criteria: Myriad Autosomal Dominant, Autosomal Recessive and X-Linked Classification Criteria (2023). Collection method: clinical testing. Allele origin: unknown.
Comment: This variant is considered pathogenic. This variant creates a frameshift predicted to result in premature protein truncation.

Baylor Genetics
Classification: Likely pathogenic for Endometrial carcinoma. Last evaluated: 2022-11-17. Review status: criteria provided, single submitter. Criteria: ACMG Guidelines, 2015. Collection method: clinical testing. Allele origin: unknown.

Department of Pediatrics, Memorial Sloan Kettering Cancer Center
Classification: Pathogenic for Lynch syndrome 5. Last evaluated: 2020-12-15. Review status: criteria provided, single submitter. Criteria: ACMG Guidelines, 2015. Collection method: research. Allele origin: germline. Affected: no.

Literature cited by the submitters: PubMed 18269114 (cited by Labcorp Genetics (formerly Invitae), Labcorp); PubMed 24362816 (cited by Labcorp Genetics (formerly Invitae), Labcorp); PubMed 28873162 (cited by Department of Pediatrics, Memorial Sloan Kettering Cancer Center).